The following is an entry in ClinVar:

ClinVar aggregate classification (germline): Likely benign (0 of 4 stars; one submission).

Conditions:
SLCO1B3-related disorder. Also called: SLCO1B3-related condition.

Allele frequency attached by ClinVar (database versions not stated): gnomAD exomes below 0.00001; gnomAD 0.00001; TOPMed 0.00001.
gnomAD v4.1: 6 of 1,574,048 alleles (0.00038%); highest among the groups gnomAD compares: African/African-American, 0.0055%; no homozygotes.

Submission:

PreventionGenetics, part of Exact Sciences
Classification: Likely benign for SLCO1B3-related condition. Last evaluated: 2023-10-20. Review status: no assertion criteria provided. Collection method: clinical testing. Allele origin: germline.
Comment: This variant is classified as likely benign based on ACMG/AMP sequence variant interpretation guidelines (Richards et al. 2015 PMID: 25741868, with internal and published modifications).

NM_019844.4(SLCO1B3):c.1866-9T>C

Genes: SLCO1B3 (solute carrier organic anion transporter family member 1B3; plus strand), SLCO1B3-SLCO1B7 (SLCO1B3-SLCO1B7 readthrough; plus strand). Cytogenetic location: 12p12.2.
Variant type: single nucleotide variant.
Coding change: c.1866-9T>C on transcript NM_019844.4 (MANE Select); 9 bases into the intron before coding-DNA position 1866, T replaced by C.
Molecular consequence: intron variant.
Genome position (GRCh38, 1-based): chr12:20,915,995, T>C. VCF-style: chr12-20915995-T-C. GRCh37 (hg19) VCF-style: chr12-21068929-T-C.
Other names: c.1782-9T>C (NM_001349920.2); c.1865+14528T>C (NM_001371097.1).
Identifiers: ClinVar variation 3054796 (VCV003054796.2), dbSNP rs1866486159, ClinGen allele CA945435958.